The following is an entry in ClinVar:

NM_006204.4(PDE6C):c.1858C>G (p.Pro620Ala)

Gene: PDE6C (phosphodiesterase 6C; plus strand). Cytogenetic location: 10q23.33.
Variant type: single nucleotide variant.
Coding change: c.1858C>G on transcript NM_006204.4 (MANE Select); coding-DNA position 1858, C replaced by G.
Protein change: p.Pro620Ala; replaces proline 620 with alanine.
Molecular consequence: missense variant.
Genome position (GRCh38, 1-based): chr10:93,645,970, C>G. VCF-style: chr10-93645970-C-G. GRCh37 (hg19) VCF-style: chr10-95405727-C-G.
Other names: short protein forms P620A.
Identifiers: ClinVar variation 1477508 (VCV001477508.8), dbSNP rs2134617434, ClinGen allele CA377620796.

ClinVar aggregate classification (germline): Uncertain significance (1 of 4 stars; one submission).

Submission:

Labcorp Genetics (formerly Invitae), Labcorp
Classification: Uncertain significance. Last evaluated: 2021-04-23. Review status: criteria provided, single submitter. Criteria: Invitae Variant Classification Sherloc (09022015). Collection method: clinical testing. Allele origin: germline.
Comment: This sequence change replaces proline with alanine at codon 620 of the PDE6C protein (p.Pro620Ala). The proline residue is highly conserved and there is a small physicochemical difference between proline and alanine. In summary, the available evidence is currently insufficient to determine the role of this variant in disease. Therefore, it has been classified as a Variant of Uncertain Significance. Algorithms developed to predict the effect of missense changes on protein structure and function (SIFT, PolyPhen-2, Align-GVGD) all suggest that this variant is likely to be tolerated, but these predictions have not been confirmed by published functional studies and their clinical significance is uncertain. This variant has not been reported in the literature in individuals with PDE6C-related conditions. This variant is not present in population databases (ExAC no frequency).